The following is an entry in ClinVar:

ClinVar aggregate classification (germline): Uncertain significance (1 of 4 stars; one submission).

Allele frequency attached by ClinVar (database versions not stated): ExAC 0.00001; gnomAD 0.00001; gnomAD exomes 0.00001; TOPMed 0.00002; ESP Exome Variant Server 0.00015.

Submission:

Labcorp Genetics (formerly Invitae), Labcorp
Classification: Uncertain significance. Last evaluated: 2023-03-14. Review status: criteria provided, single submitter. Criteria: Invitae Variant Classification Sherloc (09022015). Collection method: clinical testing. Allele origin: germline.
Comment: In summary, the available evidence is currently insufficient to determine the role of this variant in disease. Therefore, it has been classified as a Variant of Uncertain Significance. An algorithm developed to predict the effect of missense changes on protein structure and function (PolyPhen-2) suggests that this variant is likely to be disruptive. ClinVar contains an entry for this variant (Variation ID: 1354723). This variant has not been reported in the literature in individuals affected with ERBB2-related conditions. This variant is present in population databases (rs143958183, gnomAD 0.002%). This sequence change replaces arginine, which is basic and polar, with tryptophan, which is neutral and slightly polar, at codon 1111 of the ERBB2 protein (p.Arg1111Trp).

NM_004448.4(ERBB2):c.3331C>T (p.Arg1111Trp)

Gene: ERBB2 (erb-b2 receptor tyrosine kinase 2; plus strand). Cytogenetic location: 17q12.
Variant type: single nucleotide variant.
Coding change: c.3331C>T on transcript NM_004448.4 (MANE Select); coding-DNA position 3331, C replaced by T.
Protein change: p.Arg1111Trp; replaces arginine 1111 with tryptophan.
Molecular consequence: missense variant. On other transcripts: non-coding transcript variant (1), intron variant (2).
Genome position (GRCh38, 1-based): chr17:39,727,466, C>T. VCF-style: chr17-39727466-C-T. GRCh37 (hg19) VCF-style: chr17-37883719-C-T.
Other names: c.3241C>T, p.Arg1081Trp (NM_001005862.3, NM_001382782.1, NM_001382783.1); c.3286C>T, p.Arg1096Trp (NM_001289936.2); c.3448C>T, p.Arg1150Trp (NM_001382784.1); c.3433C>T, p.Arg1145Trp (NM_001382785.1); c.3412C>T, p.Arg1138Trp (NM_001382786.1); c.3406C>T, p.Arg1136Trp (NM_001382787.1); c.3361C>T, p.Arg1121Trp (NM_001382788.1); c.3352C>T, p.Arg1118Trp (NM_001382789.1); and 17 more; short protein forms R1043W, R1081W, R1096W, R1111W, R1118W, R1121W, R1049W, R1082W.
Identifiers: ClinVar variation 1354723 (VCV001354723.8), dbSNP rs143958183, ClinGen allele CA8534523.